The following is an entry in ClinVar:

ClinVar aggregate classification (germline): Uncertain significance (1 of 4 stars; one submission).

Allele frequency attached by ClinVar (database versions not stated): gnomAD exomes 0.00001 and 0.00002; ExAC 0.00001; gnomAD 0.00001; TOPMed 0.00001.
gnomAD v4.1: 35 of 1,613,880 alleles (0.0022%); highest among the groups gnomAD compares: Non-Finnish European, 0.0027%; no homozygotes.

Submission:

Labcorp Genetics (formerly Invitae), Labcorp
Classification: Uncertain significance. Last evaluated: 2022-09-06. Review status: criteria provided, single submitter. Criteria: Invitae Variant Classification Sherloc (09022015). Collection method: clinical testing. Allele origin: germline.
Comment: In summary, the available evidence is currently insufficient to determine the role of this variant in disease. Therefore, it has been classified as a Variant of Uncertain Significance. Algorithms developed to predict the effect of missense changes on protein structure and function (SIFT, PolyPhen-2, Align-GVGD) all suggest that this variant is likely to be tolerated. ClinVar contains an entry for this variant (Variation ID: 1474861). This variant has not been reported in the literature in individuals affected with IARS2-related conditions. This variant is present in population databases (rs779950037, gnomAD 0.002%). This sequence change replaces alanine, which is neutral and non-polar, with valine, which is neutral and non-polar, at codon 995 of the IARS2 protein (p.Ala995Val).

NM_018060.4(IARS2):c.2984C>T (p.Ala995Val)

Gene: IARS2 (isoleucyl-tRNA synthetase 2, mitochondrial; plus strand). Cytogenetic location: 1q41.
Variant type: single nucleotide variant.
Coding change: c.2984C>T on transcript NM_018060.4 (MANE Select); coding-DNA position 2984, C replaced by T.
Protein change: p.Ala995Val; replaces alanine 995 with valine.
Molecular consequence: missense variant.
Genome position (GRCh38, 1-based): chr1:220,147,580, C>T. VCF-style: chr1-220147580-C-T. GRCh37 (hg19) VCF-style: chr1-220320922-C-T.
Other names: short protein forms A995V.
Identifiers: ClinVar variation 1474861 (VCV001474861.6), dbSNP rs779950037, ClinGen allele CA1401909.